The following is an entry in ClinVar:

NM_001142800.2(EYS):c.5401G>A (p.Ala1801Thr)

Gene: EYS (EGF-like photoreceptor maintenance factor; minus strand). Cytogenetic location: 6q12.
Variant type: single nucleotide variant.
Coding change: c.5401G>A on transcript NM_001142800.2 (MANE Select); coding-DNA position 5401, G replaced by A.
Protein change: p.Ala1801Thr; replaces alanine 1801 with threonine.
Molecular consequence: missense variant.
Genome position (GRCh38, 1-based): chr6:64,590,466, C>T on the plus strand (G>A on the coding strand, the complement: EYS is on the minus strand). VCF-style: chr6-64590466-C-T. GRCh37 (hg19) VCF-style: chr6-65300359-C-T.
Other names: c.5401G>A, p.Ala1801Thr (NM_001292009.2); short protein forms A1801T.
Identifiers: ClinVar variation 970995 (VCV000970995.9), dbSNP rs751705317, ClinGen allele CA3877020.

ClinVar aggregate classification (germline): Uncertain significance. Review status: criteria provided, multiple submitters, no conflicts (2 of 4 stars). 4 submissions from 4 submitters: Uncertain significance (3). 1 of the submissions does not count toward it. Last evaluated 2024-10-23.

Conditions:
Retinitis pigmentosa 25 (RP25). Identifiers: Orphanet 791, MedGen C1864446, MONDO:0011272, OMIM 602772.

Allele frequency attached by ClinVar (database versions not stated): gnomAD below 0.00001 and 0.00001; TOPMed 0.00001; gnomAD exomes 0.00004 and 0.00014; ExAC 0.00036.
gnomAD v4.1: 64 of 1,551,256 alleles (0.0041%); highest among the groups gnomAD compares: South Asian, 0.073%; no homozygotes.

Submissions (4):

Blueprint Genetics
Classification: Uncertain significance. Last evaluated: 2024-10-23. Review status: criteria provided, single submitter. Criteria: ACMG Guidelines, 2015. Collection method: clinical testing. Allele origin: germline.

Labcorp Genetics (formerly Invitae), Labcorp
Classification: Uncertain significance. Last evaluated: 2024-01-18. Review status: criteria provided, single submitter. Criteria: Invitae Variant Classification Sherloc (09022015). Collection method: clinical testing. Allele origin: germline.
Comment: This sequence change replaces alanine, which is neutral and non-polar, with threonine, which is neutral and polar, at codon 1801 of the EYS protein (p.Ala1801Thr). This variant is present in population databases (rs751705317, gnomAD 0.09%). This missense change has been observed in individual(s) with retinitis pigmentosa (PMID: 20537394). ClinVar contains an entry for this variant (Variation ID: 970995). Advanced modeling of protein sequence and biophysical properties (such as structural, functional, and spatial information, amino acid conservation, physicochemical variation, residue mobility, and thermodynamic stability) has been performed at Invitae for this missense variant, however the output from this modeling did not meet the statistical confidence thresholds required to predict the impact of this variant on EYS protein function. In summary, the available evidence is currently insufficient to determine the role of this variant in disease. Therefore, it has been classified as a Variant of Uncertain Significance.

Baylor Genetics
Classification: Uncertain significance for Retinitis pigmentosa 25. Last evaluated: 2019-10-11. Review status: criteria provided, single submitter. Criteria: ACMG Guidelines, 2015. Collection method: clinical testing. Allele origin: paternal. Affected: yes. Study: CSER-TexasKidsCanSeq.
Comment: This variant was determined to be of uncertain significance according to ACMG Guidelines, 2015 [PMID:25741868].

Natera, Inc.
Classification: Uncertain significance for Retinitis pigmentosa type 25. Last evaluated: 2020-10-02. Review status: no assertion criteria provided. Collection method: clinical testing. Allele origin: germline. Not counted in ClinVar's aggregate classification.

Literature cited by the submitters: PubMed 20537394 (cited by Labcorp Genetics (formerly Invitae), Labcorp).